The following is an entry in ClinVar:

ClinVar aggregate classification (germline): Pathogenic. Review status: criteria provided, multiple submitters, no conflicts (2 of 4 stars). 2 submissions from 2 submitters: Pathogenic (2). Last evaluated 2026-03-31.

Allele frequency attached by ClinVar (database versions not stated): ExAC 0.00002; TOPMed below 0.00001; gnomAD exomes 0.00001 and 0.00002; ESP Exome Variant Server 0.00008.
gnomAD v4.1: 25 of 1,613,788 alleles (0.0015%); highest among the groups gnomAD compares: Non-Finnish European, 0.0021%; no homozygotes.

Submissions (2):

GeneDx
Classification: Pathogenic. Last evaluated: 2026-03-31. Review status: criteria provided, single submitter. Criteria: GeneDx Variant Classification Process June 2021. Collection method: clinical testing. Allele origin: germline.
Comment: Nonsense variant predicted to result in protein truncation or nonsense mediated decay in a gene for which loss of function is a known mechanism of disease; Not observed at significant frequency in large population cohorts (gnomAD); Also known as c.349C>T; p.Gln117*; This variant is associated with the following publications: (PMID: 37905191, 35996156, 28033445, 26497993)

Labcorp Genetics (formerly Invitae), Labcorp
Classification: Pathogenic. Last evaluated: 2024-05-21. Review status: criteria provided, single submitter. Criteria: Invitae Variant Classification Sherloc (09022015). Collection method: clinical testing. Allele origin: germline.
Comment: This sequence change creates a premature translational stop signal (p.Gln161*) in the SCP2 gene. It is expected to result in an absent or disrupted protein product. Loss-of-function variants in SCP2 are known to be pathogenic (PMID: 16685654, 26497993). This variant is present in population databases (rs376277989, gnomAD 0.0009%). This premature translational stop signal has been observed in individual(s) with SCP2-related conditions (PMID: 26497993). This variant is also known as c.349C>T (p.Gln117*). ClinVar contains an entry for this variant (Variation ID: 1451680). Algorithms developed to predict the effect of sequence changes on RNA splicing suggest that this variant may disrupt the consensus splice site. For these reasons, this variant has been classified as Pathogenic.

Literature cited by the submitters: PubMed 16685654 (cited by Labcorp Genetics (formerly Invitae), Labcorp); PubMed 26497993 (cited by Labcorp Genetics (formerly Invitae), Labcorp).

NM_002979.5(SCP2):c.481C>T (p.Gln161Ter)

Gene: SCP2 (sterol carrier protein 2; plus strand). Cytogenetic location: 1p32.3.
Variant type: single nucleotide variant.
Coding change: c.481C>T on transcript NM_002979.5 (MANE Select); coding-DNA position 481, C replaced by T.
Protein change: p.Gln161Ter; replaces glutamine 161 with a stop codon.
Molecular consequence: nonsense.
Genome position (GRCh38, 1-based): chr1:52,961,587, C>T. VCF-style: chr1-52961587-C-T. GRCh37 (hg19) VCF-style: chr1-53427259-C-T.
Other names: c.349C>T, p.Gln117Ter (NM_001007098.3, NM_001193600.2); c.409C>T, p.Gln137Ter (NM_001193599.2); c.238C>T, p.Gln80Ter (NM_001193617.2); c.481C>T, p.Gln161Ter (NM_001330587.2); c.481C>T (NM_002979.4); short protein forms Q137*, Q117*, Q80*, Q161*.
Identifiers: ClinVar variation 1451680 (VCV001451680.9), dbSNP rs376277989, ClinGen allele CA857124.